The following is an entry in ClinVar:

ClinVar aggregate classification (germline): Pathogenic. Review status: criteria provided, multiple submitters, no conflicts (2 of 4 stars). 5 submissions from 5 submitters: Pathogenic (5). Last evaluated 2025-12-17.

Conditions:
TMC1-related disorder. Also called: TMC1-related disorders; TMC1-related condition.
Autosomal dominant nonsyndromic hearing loss 36. Identifiers: Orphanet 90635, MedGen C1847626, MONDO:0011708, OMIM 606705.
Autosomal recessive nonsyndromic hearing loss 7. Also called: DEAFNESS, AUTOSOMAL RECESSIVE 11. Identifiers: Orphanet 90636, MedGen C1832978, MONDO:0010967, OMIM 600974.
Inborn genetic diseases. Identifiers: MedGen C0950123, MeSH D030342.

Allele frequency attached by ClinVar (database versions not stated): ExAC 0.00001; gnomAD 0.00001; gnomAD exomes 0.00001; TOPMed 0.00002; ESP Exome Variant Server 0.00008.
gnomAD v4.1: 23 of 1,613,978 alleles (0.0014%); highest among the groups gnomAD compares: Non-Finnish European, 0.0019%; no homozygotes.

Submissions (5):

Ambry Genetics
Classification: Pathogenic for Inborn genetic diseases. Last evaluated: 2025-12-17. Review status: criteria provided, single submitter. Criteria: Ambry Variant Classification Scheme 2023. Collection method: clinical testing. Allele origin: germline.
Comment: The c.1764G>A (p.W588*) alteration, located in exon 20 (coding exon 16) of the TMC1 gene, consists of a G to A substitution at nucleotide position 1764. This changes the amino acid from a tryptophan (W) to a stop codon at amino acid position 588. This alteration is expected to result in loss of function by premature protein truncation or nonsense-mediated mRNA decay. for autosomal recessive TMC1-related hearing loss; however, the significance for autosomal dominant TMC1-related hearing loss is uncertain. Based on data from gnomAD, the A allele has an overall frequency of 0.001% (3/251248) total alleles studied. The highest observed frequency was 0.003% (3/113578) of European (non-Finnish) alleles. This variant has been identified in the homozygous state and/or in conjunction with other TMC1 variant(s) in individual(s) with features consistent with TMC1-related hearing loss; in at least one instance, the variants were identified in trans (Safka Brozkova, 2020; Nishio, 2022). Based on the available evidence, this alteration is classified as pathogenic.

PreventionGenetics, part of Exact Sciences
Classification: Pathogenic for TMC1-related condition. Last evaluated: 2025-07-02. Review status: criteria provided, single submitter. Criteria: ACMG Guidelines, 2015. Collection method: clinical testing. Allele origin: germline.
Comment: The TMC1 c.1764G>A variant is predicted to result in premature protein termination (p.Trp588*). This variant was reported in the homozygous and compound heterozygous state in individual with nonsyndromic hearing loss (Tlili et al. 2008. PubMed ID: 18259073; Table S1, Safka Brozkova et al. 2020. PubMed ID: 32860223; Nishio et al. 2021. PubMed ID: 34523024). This variant is reported in 0.0026% of alleles in individuals of European (Non-Finnish) descent in gnomAD. Nonsense variants in TMC1 are expected to be pathogenic. This variant is interpreted as pathogenic.

Labcorp Genetics (formerly Invitae), Labcorp
Classification: Pathogenic. Last evaluated: 2024-10-16. Review status: criteria provided, single submitter. Criteria: Invitae Variant Classification Sherloc (09022015). Collection method: clinical testing. Allele origin: germline.
Comment: This sequence change creates a premature translational stop signal (p.Trp588*) in the TMC1 gene. It is expected to result in an absent or disrupted protein product. Loss-of-function variants in TMC1 are known to be pathogenic (PMID: 11850618, 22105175). This variant is present in population databases (rs368084452, gnomAD 0.003%). This premature translational stop signal has been observed in individual(s) with autosomal recessive deafness (PMID: 18259073, 27068579, 32860223). For these reasons, this variant has been classified as Pathogenic.

Fulgent Genetics
Classification: Pathogenic for Autosomal recessive nonsyndromic hearing loss 7; Autosomal dominant nonsyndromic hearing loss 36. Last evaluated: 2024-04-15. Review status: criteria provided, single submitter. Criteria: ACMG Guidelines, 2015. Collection method: clinical testing. Allele origin: germline.

Mayo Clinic Laboratories, Mayo Clinic
Classification: Pathogenic. Last evaluated: 2022-07-29. Review status: criteria provided, single submitter. Criteria: ACMG Guidelines, 2015. Collection method: clinical testing. Allele origin: germline. Observed: 1 variant allele.
Comment: PM2, PM3, PVS1

Literature cited by the submitters: PubMed 32860223 (cited by 3 submitters); PubMed 34523024 (cited by Ambry Genetics); PubMed 11850618 (cited by Labcorp Genetics (formerly Invitae), Labcorp); PubMed 22105175 (cited by Labcorp Genetics (formerly Invitae), Labcorp); PubMed 18259073 (cited by Labcorp Genetics (formerly Invitae), Labcorp and Mayo Clinic Laboratories, Mayo Clinic); PubMed 27068579 (cited by Labcorp Genetics (formerly Invitae), Labcorp and Mayo Clinic Laboratories, Mayo Clinic); PubMed 25525159 (cited by Mayo Clinic Laboratories, Mayo Clinic); PubMed 33168709 (cited by Mayo Clinic Laboratories, Mayo Clinic).

NM_138691.3(TMC1):c.1764G>A (p.Trp588Ter)

Gene: TMC1 (transmembrane channel like 1; plus strand). Cytogenetic location: 9q21.13.
Variant type: single nucleotide variant.
Coding change: c.1764G>A on transcript NM_138691.3 (MANE Select); coding-DNA position 1764, G replaced by A.
Protein change: p.Trp588Ter; replaces tryptophan 588 with a stop codon.
Molecular consequence: nonsense.
Genome position (GRCh38, 1-based): chr9:72,820,842, G>A. VCF-style: chr9-72820842-G-A. GRCh37 (hg19) VCF-style: chr9-75435758-G-A.
Other names: p.Trp588*; short protein forms W588*.
Identifiers: ClinVar variation 2683613 (VCV002683613.6), dbSNP rs368084452, ClinGen allele CA5082072.
Genomic context (GRCh38, chr9:72,820,842, plus strand): 5'-AGTGTGACTTTGTTATGGAGTAAAGACTCAAAACTGAGCAGAGTTCTGTTTTCTTTCTAG[G>A]ATGGGCTCCTTCTTTGCTCCCAGCCTCCCAGGCATCAATATCCTTCGACTCCATACATCC-3'